The following is an entry in ClinVar:

ClinVar aggregate classification (germline): Pathogenic (1 of 4 stars; one submission).

Conditions:
Aniridia 1 (AN1). Identifiers: Orphanet 250923, MedGen C0344542, MONDO:0024507, OMIM 106210.
Irido-corneo-trabecular dysgenesis (ASGD5). Also called: ANTERIOR SEGMENT DYSGENESIS 5. Identifiers: Orphanet 708, MedGen C0344559, MONDO:0011414, OMIM 604229, HP:0000659.

Submission:

Labcorp Genetics (formerly Invitae), Labcorp
Classification: Pathogenic for Aniridia 1; Irido-corneo-trabecular dysgenesis. Last evaluated: 2023-12-10. Review status: criteria provided, single submitter. Criteria: Invitae Variant Classification Sherloc (09022015). Collection method: clinical testing. Allele origin: germline.
Comment: This sequence change creates a premature translational stop signal (p.Gln152*) in the PAX6 gene. It is expected to result in an absent or disrupted protein product. Loss-of-function variants in PAX6 are known to be pathogenic (PMID: 12634864). This variant is not present in population databases (gnomAD no frequency). This premature translational stop signal has been observed in individual(s) with aniridia and foveal hypoplasia (PMID: 12552561). For these reasons, this variant has been classified as Pathogenic.

Literature cited by the submitters: PubMed 12634864; PubMed 12552561.

NM_001368894.2(PAX6):c.496C>T (p.Gln166Ter)

Gene: PAX6 (paired box 6; minus strand). Cytogenetic location: 11p13.
Variant type: single nucleotide variant.
Coding change: c.496C>T on transcript NM_001368894.2 (MANE Select); coding-DNA position 496, C replaced by T.
Protein change: p.Gln166Ter; replaces glutamine 166 with a stop codon.
Molecular consequence: nonsense. On other transcripts: non-coding transcript variant (2).
Genome position (GRCh38, 1-based): chr11:31,800,760, G>A on the plus strand (C>T on the coding strand, the complement: PAX6 is on the minus strand). VCF-style: chr11-31800760-G-A. GRCh37 (hg19) VCF-style: chr11-31822308-G-A.
Other names: c.454C>T, p.Gln152Ter (NM_000280.6, NM_001127612.3, NM_001258464.2 and 10 more transcripts); c.496C>T, p.Gln166Ter (NM_001258462.3, NM_001258463.2, NM_001310158.2 and 6 more transcripts); c.46C>T, p.Gln16Ter (NM_001310160.2, NM_001310161.3, NM_001368899.2 and 11 more transcripts); c.697C>T, p.Gln233Ter (NM_001368910.2); c.499C>T, p.Gln167Ter (NM_001368911.2); c.571C>T, p.Gln191Ter (NM_001368918.2, NM_001368919.2); c.529C>T, p.Gln177Ter (NM_001368920.2); c.295C>T, p.Gln99Ter (NM_001368921.2, NM_001368922.2, NM_001368923.2 and 4 more transcripts); and 1 more; short protein forms Q167*, Q177*, Q191*, Q233*, Q85*, Q152*, Q166*, Q16*.
Identifiers: ClinVar variation 2925470 (VCV002925470.3), dbSNP rs2495983908, ClinGen allele CA379958107.